The following is an entry in ClinVar:

NM_001042492.3(NF1):c.8442C>T (p.Arg2814=)

Gene: NF1 (neurofibromin 1; plus strand). Cytogenetic location: 17q11.2.
Variant type: single nucleotide variant.
Coding change: c.8442C>T on transcript NM_001042492.3 (MANE Select); coding-DNA position 8442, C replaced by T.
Protein change: p.Arg2814=; no amino-acid change (arginine 2814 retained).
Molecular consequence: synonymous variant.
Genome position (GRCh38, 1-based): chr17:31,374,077, C>T. VCF-style: chr17-31374077-C-T. GRCh37 (hg19) VCF-style: chr17-29701095-C-T.
Other names: c.8379C>T, p.Arg2793= (NM_000267.4).
Identifiers: ClinVar variation 1763133 (VCV001763133.3), dbSNP rs1567634527, ClinGen allele CA499354005.

ClinVar aggregate classification (germline): Benign/Likely benign. Review status: criteria provided, multiple submitters, no conflicts (2 of 4 stars). 2 submissions from 2 submitters: Benign (1); Likely benign (1). Last evaluated 2026-09-29.

Conditions:
Neurofibromatosis, type 1 (NF1). Also called: VON RECKLINGHAUSEN DISEASE; Peripheral type neurofibromatosis; NEUROFIBROMATOSIS, TYPE I, SOMATIC; Neurofibromatosis, type I. Identifiers: Orphanet 636, MedGen C0027831, MONDO:0018975, OMIM 162200. Disease mechanism: loss of function.
Cardiovascular phenotype. Identifiers: MedGen CN230736.
Hereditary cancer-predisposing syndrome. Also called: Hereditary neoplastic syndrome; Neoplastic Syndromes, Hereditary; Tumor predisposition; Hereditary Cancer Syndrome. Identifiers: Orphanet 140162, MedGen C0027672, MeSH D009386, MONDO:0015356.

Submissions (2):

Myriad Genetics, Inc.
Classification: Benign for Neurofibromatosis, type 1. Last evaluated: 2026-09-29. Review status: criteria provided, single submitter. Criteria: Myriad Autosomal Dominant, Autosomal Recessive and X-Linked Classification Criteria (2023). Collection method: clinical testing. Allele origin: unknown.
Comment: This variant is considered benign. This variant is a silent/synonymous amino acid change and it is not expected to impact splicing.

Ambry Genetics
Classification: Likely benign for Cardiovascular phenotype; Hereditary cancer-predisposing syndrome. Last evaluated: 2022-09-03. Review status: criteria provided, single submitter. Criteria: Ambry Variant Classification Scheme 2023. Collection method: clinical testing. Allele origin: germline.